The following is an entry in ClinVar:

ClinVar aggregate classification (germline): Uncertain significance (0 of 4 stars; one submission).

Conditions:
PLXNA4-related disorder. Also called: PLXNA4-related condition.

Submission:

PreventionGenetics, part of Exact Sciences
Classification: Uncertain significance for PLXNA4-related condition. Last evaluated: 2024-04-23. Review status: no assertion criteria provided. Collection method: clinical testing. Allele origin: germline.
Comment: The PLXNA4 c.2545T>G variant is predicted to result in the amino acid substitution p.Ser849Ala. To our knowledge, this variant has not been reported in the literature or in a large population database, indicating this variant is rare. At this time, the clinical significance of this variant is uncertain due to the absence of conclusive functional and genetic evidence.

NM_020911.2(PLXNA4):c.2545T>G (p.Ser849Ala)

Gene: PLXNA4 (plexin A4; minus strand). Cytogenetic location: 7q32.3.
Variant type: single nucleotide variant.
Coding change: c.2545T>G on transcript NM_020911.2 (MANE Select); coding-DNA position 2545, T replaced by G.
Protein change: p.Ser849Ala; replaces serine 849 with alanine.
Molecular consequence: missense variant.
Genome position (GRCh38, 1-based): chr7:132,202,687, A>C on the plus strand (T>G on the coding strand, the complement: PLXNA4 is on the minus strand). VCF-style: chr7-132202687-A-C. GRCh37 (hg19) VCF-style: chr7-131887446-A-C.
Other names: c.2545T>G, p.Ser849Ala (NM_001393897.1); short protein forms S849A.
Identifiers: ClinVar variation 2629054 (VCV002629054.2), dbSNP rs2485626161, ClinGen allele CA369305860.
Genomic context (GRCh38, chr7:132,202,687, plus strand): 5'-AGGCCCGACCCCGGCTTACCTCTGTGATGCGGGGGTTTGTGCACTTGCTTTTGGCACCAG[A>C]CAGCTCCAGCCACTGGCTCTCCTGGGCAGGGCAGTGCTGGCGCAGGGTGCACTGGCCTGG-3'
Protein context (NP_065962.1, residues 839-859): PAQESQWLEL[Ser849Ala]GAKSKCTNPR